The following is an entry in ClinVar:

NM_000256.3(MYBPC3):c.2442G>C (p.Lys814Asn)

Gene: MYBPC3 (myosin binding protein C3; minus strand). Cytogenetic location: 11p11.2.
Variant type: single nucleotide variant.
Coding change: c.2442G>C on transcript NM_000256.3 (MANE Select); coding-DNA position 2442, G replaced by C.
Protein change: p.Lys814Asn; replaces lysine 814 with asparagine.
Molecular consequence: missense variant.
Genome position (GRCh38, 1-based): chr11:47,337,551, C>G on the plus strand (G>C on the coding strand, the complement: MYBPC3 is on the minus strand). VCF-style: chr11-47337551-C-G. GRCh37 (hg19) VCF-style: chr11-47359102-C-G.
Other names: short protein forms K814N.
Identifiers: ClinVar variation 3073842 (VCV003073842.2), dbSNP rs1333106734, ClinGen allele CA380318435.

ClinVar aggregate classification (germline): Uncertain significance. Review status: criteria provided, multiple submitters, no conflicts (2 of 4 stars). 2 submissions from 2 submitters: Uncertain significance (2). Last evaluated 2025-03-03.

Conditions:
Cardiovascular phenotype. Identifiers: MedGen CN230736.
Hypertrophic cardiomyopathy. Also called: HYPERTROPHIC MYOCARDIOPATHY. Identifiers: Orphanet 217569, MedGen C0007194, MeSH D002312, MONDO:0005045, HP:0001639.

Submissions (2):

Ambry Genetics
Classification: Uncertain significance for Cardiovascular phenotype. Last evaluated: 2025-03-03. Review status: criteria provided, single submitter. Criteria: Ambry Variant Classification Scheme 2023. Collection method: clinical testing. Allele origin: germline.
Comment: The p.K814N variant (also known as c.2442G>C), located in coding exon 25 of the MYBPC3 gene, results from a G to C substitution at nucleotide position 2442. The lysine at codon 814 is replaced by asparagine, an amino acid with similar properties. This amino acid position is conserved. In addition, this alteration is predicted to be tolerated by in silico analysis. Based on the available evidence, the clinical significance of this variant remains unclear.

All of Us Research Program, National Institutes of Health
Classification: Uncertain significance for Hypertrophic cardiomyopathy. Last evaluated: 2023-10-06. Review status: criteria provided, single submitter. Criteria: ACMG Guidelines, 2015. Collection method: clinical testing. Allele origin: germline. Inheritance: Autosomal dominant inheritance. Observed: 1 variant allele, 1 heterozygote.
Comment: This missense variant replaces lysine with asparagine at codon 814 of the MYBPC3 protein. Computational prediction suggests that this variant may not impact protein structure and function (internally defined REVEL score threshold <= 0.5, PMID: 27666373). To our knowledge, functional studies have not been reported for this variant. This variant has not been reported in individuals affected with MYBPC3-related disorders in the literature. This variant has not been identified in the general population by the Genome Aggregation Database (gnomAD). The available evidence is insufficient to determine the role of this variant in disease conclusively. Therefore, this variant is classified as a Variant of Uncertain Significance.

This study involves interpretation of variants in research participants for the purpose of population health screening. Participant phenotype was not available at the time of variant classification. Additional details can be found in publication PMID: 35346344, PMCID: PMC8962531